The following is an entry in ClinVar:

NM_153046.3(TDRD9):c.421-3T>C

Gene: TDRD9 (tudor domain containing 9; plus strand). Cytogenetic location: 14q32.33.
Variant type: single nucleotide variant.
Coding change: c.421-3T>C on transcript NM_153046.3 (MANE Select); 3 bases into the intron before coding-DNA position 421, T replaced by C.
Molecular consequence: intron variant.
Genome position (GRCh38, 1-based): chr14:103,965,330, T>C. VCF-style: chr14-103965330-T-C. GRCh37 (hg19) VCF-style: chr14-104431667-T-C.
Identifiers: ClinVar variation 3035459 (VCV003035459.2), dbSNP rs532678979, ClinGen allele CA7368235.

ClinVar aggregate classification (germline): Likely benign (0 of 4 stars; one submission).

Conditions:
TDRD9-related disorder. Also called: TDRD9-related condition.

Allele frequency attached by ClinVar (database versions not stated): 1000 Genomes Project 0.00020; 1000 Genomes Project 30x 0.00031; ExAC 0.00053; gnomAD 0.00064; TOPMed 0.00070.
gnomAD v4.1: 1,736 of 1,551,490 alleles (0.11%); highest among the groups gnomAD compares: Non-Finnish European, 0.14%; 1 homozygote.

Submission:

PreventionGenetics, part of Exact Sciences
Classification: Likely benign for TDRD9-related condition. Last evaluated: 2019-04-01. Review status: no assertion criteria provided. Collection method: clinical testing. Allele origin: germline.
Comment: This variant is classified as likely benign based on ACMG/AMP sequence variant interpretation guidelines (Richards et al. 2015 PMID: 25741868, with internal and published modifications).